The following is an entry in ClinVar:

NM_000051.4(ATM):c.384G>C (p.Val128=)

Gene: ATM (ATM serine/threonine kinase; plus strand). Cytogenetic location: 11q22.3.
Variant type: single nucleotide variant.
Coding change: c.384G>C on transcript NM_000051.4 (MANE Select); coding-DNA position 384, G replaced by C.
Protein change: p.Val128=; no amino-acid change (valine 128 retained).
Molecular consequence: synonymous variant.
Genome position (GRCh38, 1-based): chr11:108,235,722, G>C. VCF-style: chr11-108235722-G-C. GRCh37 (hg19) VCF-style: chr11-108106449-G-C.
Other names: c.384G>C, p.Val128= (NM_001351834.2).
Identifiers: ClinVar variation 453494 (VCV000453494.8), dbSNP rs1555059177, ClinGen allele CA476670364.

ClinVar aggregate classification (germline): Benign/Likely benign. Review status: criteria provided, multiple submitters, no conflicts (2 of 4 stars). 2 submissions from 2 submitters: Benign (1); Likely benign (1). Last evaluated 2025-05-07.

Conditions:
Familial cancer of breast. Also called: Hereditary breast cancer; hereditary breast carcinoma; BREAST CANCER, FAMILIAL. Identifiers: Orphanet 227535, MedGen C0346153, MONDO:0016419, OMIM 114480. Disease mechanism: loss of function.
Ataxia-telangiectasia syndrome (AT). Also called: Cerebello-oculocutaneous telangiectasia; Immunodeficiency with ataxia telangiectasia; Ataxia-telangiectasia, complementation group D; AT, COMPLEMENTATION GROUP C; Ataxia-telangiectasia, complementation group E; LOUIS-BAR SYNDROME. Identifiers: Orphanet 100, MedGen C0004135, MONDO:0008840, OMIM 208900.

Submissions (2):

Labcorp Genetics (formerly Invitae), Labcorp
Classification: Likely benign for Ataxia-telangiectasia syndrome. Last evaluated: 2025-05-07. Review status: criteria provided, single submitter. Criteria: Invitae Variant Classification Sherloc (09022015). Collection method: clinical testing. Allele origin: germline.

Myriad Genetics, Inc.
Classification: Benign for Familial cancer of breast. Last evaluated: 2024-04-19. Review status: criteria provided, single submitter. Criteria: Myriad Autosomal Dominant, Autosomal Recessive and X-Linked Classification Criteria (2023). Collection method: clinical testing. Allele origin: unknown.
Comment: This variant is considered benign. This variant is a silent/synonymous amino acid change and it is not expected to impact splicing.